The following is an entry in ClinVar:

NM_000601.6(HGF):c.866-12T>G

Gene: HGF (hepatocyte growth factor; minus strand). Cytogenetic location: 7q21.11.
Variant type: single nucleotide variant.
Coding change: c.866-12T>G on transcript NM_000601.6 (MANE Select); 12 bases into the intron before coding-DNA position 866, T replaced by G.
Molecular consequence: intron variant.
Genome position (GRCh38, 1-based): chr7:81,729,791, A>C on the plus strand (T>G on the coding strand, the complement: HGF is on the minus strand). VCF-style: chr7-81729791-A-C. GRCh37 (hg19) VCF-style: chr7-81359107-A-C.
Other names: c.851-12T>G (NM_001010932.3).
Identifiers: ClinVar variation 3901771 (VCV003901771.1).

ClinVar aggregate classification (germline): Uncertain significance (1 of 4 stars; one submission).

gnomAD v4.1: 77 of 1,512,066 alleles (0.0051%); highest among the groups gnomAD compares: East Asian, 0.024%; no homozygotes.

Submission:

GeneDx
Classification: Uncertain significance. Last evaluated: 2024-12-09. Review status: criteria provided, single submitter. Criteria: GeneDx Variant Classification Process June 2021. Collection method: clinical testing. Allele origin: germline. Affected: yes.
Comment: In silico analysis indicates that this variant does not alter splicing; Has not been previously published as pathogenic or benign to our knowledge